The following is an entry in ClinVar:

NM_024496.4(IRF2BPL):c.342_353del (p.Gln124_Gln127del)

Gene: IRF2BPL (interferon regulatory factor 2 binding protein like; minus strand). Cytogenetic location: 14q24.3.
Variant type: Deletion.
Coding change: c.342_353del on transcript NM_024496.4 (MANE Select); coding-DNA positions 342 to 353, 12 bases deleted (ACAGCAGCAGCA).
Protein change: p.Gln124_Gln127del.
Molecular consequence: inframe deletion.
Genome position (GRCh38, 1-based): chr14:77,027,440-77,027,451, TGCTGCTGCTGT deleted on the plus strand (ACAGCAGCAGCA on the coding strand, the reverse complement: IRF2BPL is on the minus strand); deleting any 12 consecutive bases within chr14:77,027,440-77,027,462 gives the same sequence; the c. name uses the placement nearest the transcript's 3' end. VCF-style (leftmost placement, unchanged base first): chr14-77027439-CTGCTGCTGCTGT-C. GRCh37 (hg19) VCF-style: chr14-77493782-CTGCTGCTGCTGT-C.
Other names: p.Gln124_Gln127del.
Identifiers: ClinVar variation 2354822 (VCV002354822.3), dbSNP rs1240326919, ClinGen allele CA615492307.

ClinVar aggregate classification (germline): Likely benign. Review status: criteria provided, multiple submitters, no conflicts (2 of 4 stars). 2 submissions from 2 submitters: Likely benign (2). Last evaluated 2025-01-15.

Conditions:
Inborn genetic diseases. Identifiers: MedGen C0950123, MeSH D030342.

Submissions (2):

Mayo Clinic Laboratories, Mayo Clinic
Classification: Likely benign. Last evaluated: 2025-01-15. Review status: criteria provided, single submitter. Criteria: ACMG Guidelines, 2015. Collection method: clinical testing. Allele origin: germline. Observed: 1 variant allele.
Comment: BS2, BP3

Ambry Genetics
Classification: Likely benign for Inborn genetic diseases. Last evaluated: 2021-09-13. Review status: criteria provided, single submitter. Criteria: Ambry Variant Classification Scheme 2023. Collection method: clinical testing. Allele origin: germline.